The following is an entry in ClinVar:

ClinVar aggregate classification (germline): Uncertain significance (1 of 4 stars; one submission).

Allele frequency attached by ClinVar (database versions not stated): gnomAD exomes below 0.00001.
gnomAD v4.1: 2 of 1,614,262 alleles (0.00012%); highest among the groups gnomAD compares: Non-Finnish European, 0.000085%; no homozygotes.

Submission:

Labcorp Genetics (formerly Invitae), Labcorp
Classification: Uncertain significance. Last evaluated: 2022-08-21. Review status: criteria provided, single submitter. Criteria: Invitae Variant Classification Sherloc (09022015). Collection method: clinical testing. Allele origin: germline.
Comment: This sequence change replaces glutamine, which is neutral and polar, with arginine, which is basic and polar, at codon 145 of the C1QA protein (p.Gln145Arg). This variant is present in population databases (no rsID available, gnomAD 0.004%). This variant has not been reported in the literature in individuals affected with C1QA-related conditions. Algorithms developed to predict the effect of missense changes on protein structure and function (SIFT, PolyPhen-2, Align-GVGD) all suggest that this variant is likely to be tolerated. In summary, the available evidence is currently insufficient to determine the role of this variant in disease. Therefore, it has been classified as a Variant of Uncertain Significance.

NM_015991.4(C1QA):c.434A>G (p.Gln145Arg)

Gene: C1QA (complement C1q A chain; plus strand). Cytogenetic location: 1p36.12.
Variant type: single nucleotide variant.
Coding change: c.434A>G on transcript NM_015991.4 (MANE Select); coding-DNA position 434, A replaced by G.
Protein change: p.Gln145Arg; replaces glutamine 145 with arginine.
Molecular consequence: missense variant.
Genome position (GRCh38, 1-based): chr1:22,639,103, A>G. VCF-style: chr1-22639103-A-G. GRCh37 (hg19) VCF-style: chr1-22965596-A-G.
Other names: c.434A>G, p.Gln145Arg (NM_001347465.2, NM_001347466.2); short protein forms Q145R.
Identifiers: ClinVar variation 1934381 (VCV001934381.2), dbSNP rs1484252584, ClinGen allele CA338929733.